The following is an entry in ClinVar:

ClinVar aggregate classification (germline): Uncertain significance. Review status: criteria provided, multiple submitters, no conflicts (2 of 4 stars). 2 submissions from 2 submitters: Uncertain significance (2). Last evaluated 2025-12-09.

Conditions:
Emery-Dreifuss muscular dystrophy 4, autosomal dominant (EDMD4). Also called: EMERY-DREIFUSS MUSCULAR DYSTROPHY 4 WITH VARIABLE FEATURES. Identifiers: Orphanet 261, MedGen C2751807, MONDO:0013071, OMIM 612998.
Autosomal recessive ataxia, Beauce type. Also called: SYNE1 Deficiency; Spinocerebellar ataxia, autosomal recessive 8; ATAXIA, RECESSIVE, OF BEAUCE; SYNE1-Related Autosomal Recessive Cerebellar Ataxia. Identifiers: Orphanet 88644, MedGen C1853116, MONDO:0012549, OMIM 610743.

Allele frequency attached by ClinVar (database versions not stated): gnomAD 0.00001; gnomAD exomes 0.00003; TOPMed 0.00003; ExAC 0.00006.
gnomAD v4.1: 41 of 1,613,372 alleles (0.0025%); highest among the groups gnomAD compares: Admixed American, 0.03%; 1 homozygote.

Submissions (2):

Labcorp Genetics (formerly Invitae), Labcorp
Classification: Uncertain significance for Emery-Dreifuss muscular dystrophy 4, autosomal dominant; Autosomal recessive ataxia, Beauce type. Last evaluated: 2025-12-09. Review status: criteria provided, single submitter. Criteria: Invitae Variant Classification Sherloc (09022015). Collection method: clinical testing. Allele origin: germline.
Comment: This sequence change replaces threonine, which is neutral and polar, with methionine, which is neutral and non-polar, at codon 94 of the SYNE1 protein (p.Thr94Met). This variant is present in population databases (rs746029148, gnomAD 0.05%). This variant has not been reported in the literature in individuals affected with SYNE1-related conditions. ClinVar contains an entry for this variant (Variation ID: 2038601). An algorithm developed to predict the effect of missense changes on protein structure and function (PolyPhen-2) suggests that this variant is likely to be disruptive. In summary, the available evidence is currently insufficient to determine the role of this variant in disease. Therefore, it has been classified as a Variant of Uncertain Significance.

Women's Health and Genetics/Laboratory Corporation of America, LabCorp
Classification: Uncertain significance. Last evaluated: 2023-06-14. Review status: criteria provided, single submitter. Criteria: LabCorp Variant Classification Summary - May 2015. Collection method: clinical testing. Allele origin: germline.
Comment: Variant summary: SYNE1 c.281C>T (p.Thr94Met) results in a non-conservative amino acid change in the encoded protein sequence. Five of five in-silico tools predict a damaging effect of the variant on protein function. The variant allele was found at a frequency of 8e-05 in 250698 control chromosomes in the gnomAD database, including 1 homozygote. To our knowledge, no occurrence of c.281C>T in individuals affected with Autosomal Dominant Emery-Dreifuss Muscular Dystrophy 4 and no experimental evidence demonstrating its impact on protein function have been reported. One clinical diagnostic laboratory has submitted clinical-significance assessments for this variant to ClinVar after 2014 without evidence for independent evaluation and classified the variant as uncertain significance. Based on the evidence outlined above, the variant was classified as uncertain significance.

NM_182961.4(SYNE1):c.281C>T (p.Thr94Met)

Gene: SYNE1 (spectrin repeat containing nuclear envelope protein 1; minus strand). Cytogenetic location: 6q25.2.
Variant type: single nucleotide variant.
Coding change: c.281C>T on transcript NM_182961.4 (MANE Select); coding-DNA position 281, C replaced by T.
Protein change: p.Thr94Met; replaces threonine 94 with methionine.
Molecular consequence: missense variant.
Genome position (GRCh38, 1-based): chr6:152,520,487, G>A on the plus strand (C>T on the coding strand, the complement: SYNE1 is on the minus strand). VCF-style: chr6-152520487-G-A. GRCh37 (hg19) VCF-style: chr6-152841622-G-A.
Other names: c.281C>T, p.Thr94Met (NM_033071.5); short protein forms T94M.
Identifiers: ClinVar variation 2038601 (VCV002038601.5), dbSNP rs746029148, ClinGen allele CA4059813.